The following is an entry in ClinVar:

NM_001244008.2(KIF1A):c.1032G>A (p.Thr344=)

Gene: KIF1A (kinesin family member 1A; minus strand). Cytogenetic location: 2q37.3.
Variant type: single nucleotide variant.
Coding change: c.1032G>A on transcript NM_001244008.2 (MANE Select); coding-DNA position 1032, G replaced by A.
Protein change: p.Thr344=; no amino-acid change (threonine 344 retained).
Molecular consequence: synonymous variant.
Genome position (GRCh38, 1-based): chr2:240,774,188, C>T on the plus strand (G>A on the coding strand, the complement: KIF1A is on the minus strand). VCF-style: chr2-240774188-C-T. GRCh37 (hg19) VCF-style: chr2-241713605-C-T.
Other names: c.1032G>A, p.Thr344= (NM_001320705.2, NM_001330289.2, NM_001330290.2 and 20 more transcripts).
Identifiers: ClinVar variation 705618 (VCV000705618.21), dbSNP rs760595439, ClinGen allele CA2208562.

ClinVar aggregate classification (germline): Conflicting classifications of pathogenicity. Review status: criteria provided, conflicting classifications (1 of 4 stars). 4 submissions from 4 submitters: Uncertain significance (1); Likely benign (3). Last evaluated 2026-01-28.

Conditions:
Neuropathy, hereditary sensory, type 2C. Also called: KIF1A-Related HSAN2 (HSAN2C); Hereditary sensory and autonomic neuropathy type IIC. Identifiers: Orphanet 970, MedGen C3280168, MONDO:0013634, OMIM 614213.
Intellectual disability, autosomal dominant 9 (NESCAVS). Also called: NESCAV SYNDROME; KIF1A-Related Neurodevelopmental Disorder. Identifiers: Orphanet 662367, MedGen C5393830, MONDO:0013656, OMIM 614255.
Hereditary spastic paraplegia 30. Identifiers: Orphanet 101010, MedGen C5235139, MONDO:0012476.

Allele frequency attached by ClinVar (database versions not stated): TOPMed 0.00006.

Submissions (4):

Labcorp Genetics (formerly Invitae), Labcorp
Classification: Likely benign for Hereditary spastic paraplegia 30; Neuropathy, hereditary sensory, type 2C; Intellectual disability, autosomal dominant 9. Last evaluated: 2026-01-28. Review status: criteria provided, single submitter. Criteria: Invitae Variant Classification Sherloc (09022015). Collection method: clinical testing. Allele origin: germline.

CeGaT Center for Human Genetics Tuebingen
Classification: Likely benign. Last evaluated: 2025-11-01. Review status: criteria provided, single submitter. Criteria: CeGaT Center For Human Genetics Tuebingen Variant Classification Criteria Version 2. Collection method: clinical testing. Allele origin: germline. Affected: yes. Observed: 1 variant allele.
Comment: KIF1A: BP4, BP7

Blueprint Genetics
Classification: Likely benign. Last evaluated: 2023-12-28. Review status: criteria provided, single submitter. Criteria: ACMG Guidelines, 2015. Collection method: clinical testing. Allele origin: germline.

Illumina Laboratory Services, Illumina
Classification: Uncertain significance for Spastic paraplegia 30A, autosomal dominant. Last evaluated: 2018-01-13. Review status: criteria provided, single submitter. Criteria: ICSL Variant Classification Criteria 13 December 2019. Collection method: clinical testing. Allele origin: germline.